The following is an entry in ClinVar:

NM_000179.3(MSH6):c.3510_3511del (p.Ile1170_Asp1171insTer)

Gene: MSH6 (mutS homolog 6; plus strand). Cytogenetic location: 2p16.3.
Variant type: Deletion.
Coding change: c.3510_3511del on transcript NM_000179.3 (MANE Select); coding-DNA positions 3510 to 3511, 2 bases deleted (TG; older notation c.3510_3511delTG).
Protein change: p.Ile1170_Asp1171insTer.
Molecular consequence: frameshift variant. On other transcripts: non-coding transcript variant (4).
Genome position (GRCh38, 1-based): chr2:47,804,981-47,804,982, TG deleted. VCF-style (leftmost placement, unchanged base first): chr2-47804980-TTG-T. GRCh37 (hg19) VCF-style: chr2-48032119-TTG-T.
Other names: c.3120_3121del, p.Ile1040_Asp1041insTer (NM_001281492.2); c.2604_2605del, p.Ile868_Asp869insTer (NM_001281493.2, NM_001281494.2, NM_001406811.1 and 6 more transcripts); c.3606_3607del, p.Ile1202_Asp1203insTer (NM_001406795.1, NM_001406802.1); c.3510_3511del, p.Ile1170_Asp1171insTer (NM_001406796.1, NM_001406800.1, NM_001406808.1 and 1 more transcripts); c.3213_3214del, p.Ile1071_Asp1072insTer (NM_001406797.1, NM_001406801.1, NM_001406805.1 and 10 more transcripts); c.3336_3337del, p.Ile1112_Asp1113insTer (NM_001406798.1); c.2985_2986del, p.Ile995_Asp996insTer (NM_001406799.1, NM_001406806.1, NM_001406807.1); c.2646_2647del, p.Ile882_Asp883insTer (NM_001406803.1); and 7 more.
Identifiers: ClinVar variation 4528897 (VCV004528897.1).

ClinVar aggregate classification (germline): Pathogenic (1 of 4 stars; one submission).

Conditions:
Inherited MMR deficiency (Lynch syndrome).

Submission:

Genetics Laboratory, Great Ormond Street Hospital NHS Foundation Trust, North Thames Genomic Laboratory Hub
Classification: Pathogenic for Inherited MMR deficiency (Lynch syndrome). Last evaluated: 2025-09-16. Review status: criteria provided, single submitter. Criteria: CanVIG MMR Gene Specific V1.7. Collection method: clinical testing. Allele origin: germline. Affected: yes.
Comment: PM2_moderate, PVS1_very-strong, PP4_supporting